The following is an entry in ClinVar:

ClinVar aggregate classification (germline): Uncertain significance (1 of 4 stars; one submission).

Conditions:
Neurodevelopmental disorder with hypotonia, stereotypic hand movements, and impaired language. Also called: Intellectual disability, autosomal dominant 20. Identifiers: Orphanet 228384, Orphanet 664410, MedGen C3150700, MONDO:0013266, OMIM 613443.

Submission:

Labcorp Genetics (formerly Invitae), Labcorp
Classification: Uncertain significance for Neurodevelopmental disorder with hypotonia, stereotypic hand movements, and impaired language. Last evaluated: 2022-07-22. Review status: criteria provided, single submitter. Criteria: Invitae Variant Classification Sherloc (09022015). Collection method: clinical testing. Allele origin: germline.
Comment: Algorithms developed to predict the effect of missense changes on protein structure and function (SIFT, PolyPhen-2, Align-GVGD) all suggest that this variant is likely to be tolerated. This variant has not been reported in the literature in individuals affected with MEF2C-related conditions. This variant is not present in population databases (gnomAD no frequency). This sequence change replaces valine, which is neutral and non-polar, with alanine, which is neutral and non-polar, at codon 107 of the MEF2C protein (p.Val107Ala). In summary, the available evidence is currently insufficient to determine the role of this variant in disease. Therefore, it has been classified as a Variant of Uncertain Significance.

NM_002397.5(MEF2C):c.320T>C (p.Val107Ala)

Gene: MEF2C (myocyte enhancer factor 2C; minus strand). Cytogenetic location: 5q14.3.
Variant type: single nucleotide variant.
Coding change: c.320T>C on transcript NM_002397.5 (MANE Select); coding-DNA position 320, T replaced by C.
Protein change: p.Val107Ala; replaces valine 107 with alanine.
Molecular consequence: missense variant. On other transcripts: 5 prime UTR variant (2), intron variant (10), splice donor variant (2).
Genome position (GRCh38, 1-based): chr5:88,761,267, A>G on the plus strand (T>C on the coding strand, the complement: MEF2C is on the minus strand). VCF-style: chr5-88761267-A-G. GRCh37 (hg19) VCF-style: chr5-88057084-A-G.
Other names: c.320T>C, p.Val107Ala (NM_001364329.2, NM_001364330.2, NM_001364331.2 and 18 more transcripts); c.-59T>C (NM_001364353.2, NM_001364356.2); c.259-9224T>C (NM_001364344.2, NM_001364354.2, NM_001364332.2 and 3 more transcripts); c.259-142T>C (NM_001131005.2, NM_001364352.2, NM_001364343.2); c.318+2T>C (NM_001193347.1, NM_001364338.2); c.-24-9224T>C (NM_001364357.2); short protein forms V107A.
Identifiers: ClinVar variation 1713388 (VCV001713388.6), dbSNP rs2548167518, ClinGen allele CA360424601.